The following is an entry in ClinVar:

NM_001283009.2(RTEL1):c.2588C>G (p.Ser863Cys)

Genes: RTEL1 (regulator of telomere elongation helicase 1; plus strand), RTEL1-TNFRSF6B (RTEL1-TNFRSF6B readthrough (NMD candidate); plus strand). Cytogenetic location: 20q13.33.
Variant type: single nucleotide variant.
Coding change: c.2588C>G on transcript NM_001283009.2 (MANE Select); coding-DNA position 2588, C replaced by G.
Protein change: p.Ser863Cys; replaces serine 863 with cysteine.
Molecular consequence: missense variant. On other transcripts: non-coding transcript variant (1).
Genome position (GRCh38, 1-based): chr20:63,691,773, C>G. VCF-style: chr20-63691773-C-G. GRCh37 (hg19) VCF-style: chr20-62323126-C-G.
Other names: c.1919C>G, p.Ser640Cys (NM_001283010.1); c.2588C>G, p.Ser863Cys (NM_016434.4); c.2660C>G, p.Ser887Cys (NM_032957.5); short protein forms S640C, S863C, S887C.
Identifiers: ClinVar variation 4629516 (VCV004629516.1).
Genomic context (GRCh38, chr20:63,691,773, plus strand): 5'-TGTGTGGTTGTGAGCTGTGTCCTCCTCAGGCCCACAGCTGCTCCACCCTGTCCCTCCTGT[C>G]TGAGAAGAGGCCGGCAGAAGAACCGCGAGGAGGGAGGAAGAAGATCCGGCTGGTCAGCCA-3'
Protein context (NP_001269938.1, residues 853-873): AHSCSTLSLL[Ser863Cys]EKRPAEEPRG

ClinVar aggregate classification (germline): Uncertain significance (1 of 4 stars; one submission).

Conditions:
Inborn genetic diseases. Identifiers: MedGen C0950123, MeSH D030342.

Submission:

Ambry Genetics
Classification: Uncertain significance for Inborn genetic diseases. Last evaluated: 2025-09-26. Review status: criteria provided, single submitter. Criteria: Ambry Variant Classification Scheme 2023. Collection method: clinical testing. Allele origin: germline.
Comment: The p.S863C variant (also known as c.2588C>G), located in coding exon 27 of the RTEL1 gene, results from a C to G substitution at nucleotide position 2588. The serine at codon 863 is replaced by cysteine, an amino acid with dissimilar properties. This amino acid position is conserved. In addition, this alteration is predicted to be tolerated by in silico analysis. Based on the available evidence, the clinical significance of this variant remains unclear.